The following is an entry in ClinVar:

ClinVar aggregate classification (germline): Uncertain significance (1 of 4 stars; one submission).

Conditions:
Inborn genetic diseases. Identifiers: MedGen C0950123, MeSH D030342.

gnomAD v4.1: 2 of 1,613,080 alleles (0.00012%); highest among the groups gnomAD compares: African/African-American, 0.0013%; no homozygotes.

Submission:

Ambry Genetics
Classification: Uncertain significance for Inborn genetic diseases. Last evaluated: 2024-05-09. Review status: criteria provided, single submitter. Criteria: Ambry Variant Classification Scheme 2023. Collection method: clinical testing. Allele origin: germline.
Comment: The p.R1847T variant (also known as c.5540G>C), located in coding exon 38 of the LRRK2 gene, results from a G to C substitution at nucleotide position 5540. The arginine at codon 1847 is replaced by threonine, an amino acid with similar properties. This amino acid position is conserved. In addition, this alteration is predicted to be tolerated by in silico analysis. Since supporting evidence is limited at this time, the clinical significance of this alteration remains unclear.

NM_198578.4(LRRK2):c.5540G>C (p.Arg1847Thr)

Gene: LRRK2 (leucine rich repeat kinase 2; plus strand). Cytogenetic location: 12q12.
Variant type: single nucleotide variant.
Coding change: c.5540G>C on transcript NM_198578.4 (MANE Select); coding-DNA position 5540, G replaced by C.
Protein change: p.Arg1847Thr; replaces arginine 1847 with threonine.
Molecular consequence: missense variant.
Genome position (GRCh38, 1-based): chr12:40,323,190, G>C. VCF-style: chr12-40323190-G-C. GRCh37 (hg19) VCF-style: chr12-40716992-G-C.
Other names: short protein forms R1847T.
Identifiers: ClinVar variation 1748199 (VCV001748199.3), dbSNP rs142998392, ClinGen allele CA384421011.
Genomic context (GRCh38, chr12:40,323,190, plus strand): 5'-TTATTTAAAAAATGTTTTATTACTTCTCAGGAGATCTCTTAGTAAATCCAGATCAACCAA[G>C]GCTCACCATTCCAATATCTCAGATTGCCCCTGACTTGATTTTGGCTGACCTGCCTAGAAA-3'
Protein context (NP_940980.4, residues 1837-1857): GDLLVNPDQP[Arg1847Thr]LTIPISQIAP